The following is an entry in ClinVar:

NM_004655.4(AXIN2):c.958G>A (p.Asp320Asn)

Gene: AXIN2 (axin 2; minus strand). Cytogenetic location: 17q24.1.
Variant type: single nucleotide variant.
Coding change: c.958G>A on transcript NM_004655.4 (MANE Select); coding-DNA position 958, G replaced by A.
Protein change: p.Asp320Asn; replaces aspartic acid 320 with asparagine.
Molecular consequence: missense variant.
Genome position (GRCh38, 1-based): chr17:65,541,556, C>T on the plus strand (G>A on the coding strand, the complement: AXIN2 is on the minus strand). VCF-style: chr17-65541556-C-T. GRCh37 (hg19) VCF-style: chr17-63537674-C-T.
Other names: c.958G>A, p.Asp320Asn (NM_001363813.1); short protein forms D320N.
Identifiers: ClinVar variation 3664473 (VCV003664473.2).

ClinVar aggregate classification (germline): Uncertain significance (1 of 4 stars; one submission).

Conditions:
Oligodontia-cancer predisposition syndrome. Also called: TOOTH AGENESIS-COLORECTAL CANCER SYNDROME. Identifiers: Orphanet 300576, MedGen C1837750, MONDO:0012075, OMIM 608615. Disease mechanism: loss of function.

Submission:

Labcorp Genetics (formerly Invitae), Labcorp
Classification: Uncertain significance for Oligodontia-cancer predisposition syndrome. Last evaluated: 2024-09-04. Review status: criteria provided, single submitter. Criteria: Invitae Variant Classification Sherloc (09022015). Collection method: clinical testing. Allele origin: germline.
Comment: This sequence change replaces aspartic acid, which is acidic and polar, with asparagine, which is neutral and polar, at codon 320 of the AXIN2 protein (p.Asp320Asn). This variant is not present in population databases (gnomAD no frequency). This variant has not been reported in the literature in individuals affected with AXIN2-related conditions. An algorithm developed to predict the effect of missense changes on protein structure and function (PolyPhen-2) suggests that this variant is likely to be disruptive. In summary, the available evidence is currently insufficient to determine the role of this variant in disease. Therefore, it has been classified as a Variant of Uncertain Significance.